The following is an entry in ClinVar:

NM_004523.4(KIF11):c.1967A>G (p.His656Arg)

Gene: KIF11 (kinesin family member 11; plus strand). Cytogenetic location: 10q23.33.
Variant type: single nucleotide variant.
Coding change: c.1967A>G on transcript NM_004523.4 (MANE Select); coding-DNA position 1967, A replaced by G.
Protein change: p.His656Arg; replaces histidine 656 with arginine.
Molecular consequence: missense variant.
Genome position (GRCh38, 1-based): chr10:92,637,275, A>G. VCF-style: chr10-92637275-A-G. GRCh37 (hg19) VCF-style: chr10-94397032-A-G.
Other names: short protein forms H656R.
Identifiers: ClinVar variation 4709678 (VCV004709678.1).
Genomic context (GRCh38, chr10:92,637,275, plus strand): 5'-TGGAAATGATTTTATCCCCAACTGTGGTGTCTATACTGAAAATCAATAGTCAACTAAAGC[A>G]TATTTTCAAGACTTCATTGACAGTGGCCGATAAGGTAACAAATGCTATGTTCTTAATATC-3'
Protein context (NP_004514.2, residues 646-666): SILKINSQLK[His656Arg]IFKTSLTVAD

ClinVar aggregate classification (germline): Uncertain significance (1 of 4 stars; one submission).

gnomAD v4.1: 2 of 1,590,570 alleles (0.00013%); highest among the groups gnomAD compares: Non-Finnish European, 0.00017%; no homozygotes.

Submission:

Labcorp Genetics (formerly Invitae), Labcorp
Classification: Uncertain significance. Last evaluated: 2025-10-03. Review status: criteria provided, single submitter. Criteria: Invitae Variant Classification Sherloc (09022015). Collection method: clinical testing. Allele origin: germline.
Comment: This sequence change replaces histidine, which is basic and polar, with arginine, which is basic and polar, at codon 656 of the KIF11 protein (p.His656Arg). This variant is not present in population databases (gnomAD no frequency). This variant has not been reported in the literature in individuals affected with KIF11-related conditions. Invitae Evidence Modeling of protein sequence and biophysical properties (such as structural, functional, and spatial information, amino acid conservation, physicochemical variation, residue mobility, and thermodynamic stability) indicates that this missense variant is not expected to disrupt KIF11 protein function with a negative predictive value of 95%. In summary, the available evidence is currently insufficient to determine the role of this variant in disease. Therefore, it has been classified as a Variant of Uncertain Significance.